The following is an entry in ClinVar:

NM_001271.4(CHD2):c.295-154A>T

Gene: CHD2 (chromodomain helicase DNA binding protein 2; plus strand). Cytogenetic location: 15q26.1.
Variant type: single nucleotide variant.
Coding change: c.295-154A>T on transcript NM_001271.4 (MANE Select); 154 bases into the intron before coding-DNA position 295, A replaced by T.
Molecular consequence: intron variant.
Genome position (GRCh38, 1-based): chr15:92,927,090, A>T. VCF-style: chr15-92927090-A-T. GRCh37 (hg19) VCF-style: chr15-93470320-A-T.
Other names: c.295-154A>T (NM_001042572.3).
Identifiers: ClinVar variation 676981 (VCV000676981.1), dbSNP rs78223026, ClinGen allele CA14181307.

ClinVar aggregate classification (germline): Likely benign (1 of 4 stars; one submission).

Allele frequency attached by ClinVar (database versions not stated): gnomAD 0.01896 and 0.01954; 1000 Genomes Project 0.02356; 1000 Genomes Project 30x 0.02639; TOPMed 0.02646.
gnomAD v4.1: 2,873 of 152,096 alleles (1.9%); highest among the groups gnomAD compares: Admixed American, 7.2%; 83 homozygotes.

Submission:

GeneDx
Classification: Likely benign. Last evaluated: 2018-06-16. Review status: criteria provided, single submitter. Criteria: GeneDx Variant Classification (06012015). Collection method: clinical testing. Allele origin: germline. Affected: yes.
Comment: This variant is considered likely benign or benign based on one or more of the following criteria: it is a conservative change, it occurs at a poorly conserved position in the protein, it is predicted to be benign by multiple in silico algorithms, and/or has population frequency not consistent with disease.